The following is an entry in ClinVar:

ClinVar aggregate classification (germline): Likely benign. Review status: criteria provided, single submitter (1 of 4 stars). 2 submissions from 2 submitters: Likely benign (1). 1 of the submissions does not count toward it. Last evaluated 2025-01-30.

Conditions:
SOS1-related disorder. Also called: SOS1-related condition.
RASopathy. Also called: Noonan spectrum disorder; rasopathies. Identifiers: Orphanet 536391, MedGen C5555857, MONDO:0021060.

Allele frequency attached by ClinVar (database versions not stated): gnomAD exomes below 0.00001.
gnomAD v4.1: 1 of 1,601,848 alleles (0.000062%); highest among the groups gnomAD compares: South Asian, 0.0011%; no homozygotes.

Submissions (2):

Labcorp Genetics (formerly Invitae), Labcorp
Classification: Likely benign for RASopathy. Last evaluated: 2025-01-30. Review status: criteria provided, single submitter. Criteria: Invitae Variant Classification Sherloc (09022015). Collection method: clinical testing. Allele origin: germline.

PreventionGenetics, part of Exact Sciences
Classification: Likely benign for SOS1-related condition. Last evaluated: 2024-08-29. Review status: no assertion criteria provided. Collection method: clinical testing. Allele origin: germline. Not counted in ClinVar's aggregate classification.
Comment: This variant is classified as likely benign based on ACMG/AMP sequence variant interpretation guidelines (Richards et al. 2015 PMID: 25741868, with internal and published modifications).

NM_005633.4(SOS1):c.36C>T (p.Ser12=)

Genes: SOS1 (SOS Ras/Rac guanine nucleotide exchange factor 1; minus strand), LOC129933535 (ATAC-STARR-seq lymphoblastoid silent region 11384; plus strand). Cytogenetic location: 2p22.1.
Variant type: single nucleotide variant.
Coding change: c.36C>T on transcript NM_005633.4 (MANE Select); coding-DNA position 36, C replaced by T.
Protein change: p.Ser12=; no amino-acid change (serine 12 retained).
Molecular consequence: synonymous variant. On other transcripts: intron variant (1).
Genome position (GRCh38, 1-based): chr2:39,120,387, G>A on the plus strand (C>T on the coding strand, the complement: SOS1 is on the minus strand). VCF-style: chr2-39120387-G-A. GRCh37 (hg19) VCF-style: chr2-39347528-G-A.
Other names: c.36C>T, p.Ser12= (NM_001382395.1); c.66+4277C>T (NM_001382394.1).
Identifiers: ClinVar variation 1967317 (VCV001967317.6), dbSNP rs1454378065, ClinGen allele CA425795989.